The following is an entry in ClinVar:

ClinVar aggregate classification (germline): Conflicting classifications of pathogenicity. Review status: criteria provided, conflicting classifications (1 of 4 stars). 9 submissions from 9 submitters: Uncertain significance (1); Benign (1); Likely benign (7). Last evaluated 2026-01-08.

Conditions:
Hereditary cancer-predisposing syndrome. Also called: Neoplastic Syndromes, Hereditary; Hereditary Cancer Syndrome; Tumor predisposition; Hereditary neoplastic syndrome. Identifiers: Orphanet 140162, MedGen C0027672, MeSH D009386, MONDO:0015356.
Familial cancer of breast. Also called: Hereditary breast cancer; hereditary breast carcinoma; BREAST CANCER, FAMILIAL. Identifiers: Orphanet 227535, MedGen C0346153, MONDO:0016419, OMIM 114480. Disease mechanism: loss of function.

Allele frequency attached by ClinVar (database versions not stated): gnomAD 0.00001; TOPMed 0.00002; gnomAD exomes 0.00004; ExAC 0.00007.
gnomAD v4.1: 29 of 1,613,832 alleles (0.0018%); highest among the groups gnomAD compares: Admixed American, 0.0033%; 2 homozygotes.

Submissions (9):

Labcorp Genetics (formerly Invitae), Labcorp
Classification: Likely benign for Familial cancer of breast. Last evaluated: 2026-01-08. Review status: criteria provided, single submitter. Criteria: Invitae Variant Classification Sherloc (09022015). Collection method: clinical testing. Allele origin: germline.

Myriad Genetics, Inc.
Classification: Benign for Familial cancer of breast. Last evaluated: 2024-10-01. Review status: criteria provided, single submitter. Criteria: Myriad Autosomal Dominant, Autosomal Recessive and X-Linked Classification Criteria (2023). Collection method: clinical testing. Allele origin: unknown.
Comment: This variant is considered benign. This variant is a silent/synonymous amino acid change and it is not expected to impact splicing.

Blueprint Genetics
Classification: Likely benign. Last evaluated: 2024-09-13. Review status: criteria provided, single submitter. Criteria: ACMG Guidelines, 2015. Collection method: clinical testing. Allele origin: germline.

Sema4
Classification: Uncertain significance for Hereditary cancer-predisposing syndrome. Last evaluated: 2021-10-15. Review status: criteria provided, single submitter. Criteria: Sema4 Curation Guidelines. Collection method: curation. Allele origin: germline.
Comment: The CHEK2 c.132C>T (p.S44=) variant has been reported in at least two individuals with hereditary breast/ovarian cancer syndrome (PMID: 34299313). It was observed in 7/113516 chromosomes of the Non-Finnish European subpopulation in the large and broad cohorts of the Genome Aggregation Database (PMID: 32461654). The variant has been reported in ClinVar (Variation ID 230091). In silico tools suggest that the variant may have an impact on splicing, though these predictions have not been confirmed by functional studies. The evidence is insufficient to meet ACMG/AMP criteria for classifying the variant as benign or pathogenic. Thus, the clinical significance of this variant is currently uncertain.

Women's Health and Genetics/Laboratory Corporation of America, LabCorp
Classification: Likely benign. Last evaluated: 2019-08-28. Review status: criteria provided, single submitter. Criteria: LabCorp Variant Classification Summary - May 2015. Collection method: clinical testing. Allele origin: germline.

Color Diagnostics, LLC DBA Color Health
Classification: Likely benign for Hereditary cancer-predisposing syndrome. Last evaluated: 2017-10-02. Review status: criteria provided, single submitter. Criteria: ACMG Guidelines, 2015. Collection method: clinical testing. Allele origin: germline.

GeneDx
Classification: Likely benign. Last evaluated: 2017-09-21. Review status: criteria provided, single submitter. Criteria: GeneDx Variant Classification (06012015). Collection method: clinical testing. Allele origin: germline. Affected: yes.
Comment: This variant is considered likely benign or benign based on one or more of the following criteria: it is a conservative change, it occurs at a poorly conserved position in the protein, it is predicted to be benign by multiple in silico algorithms, and/or has population frequency not consistent with disease.

CeGaT Center for Human Genetics Tuebingen
Classification: Likely benign. Last evaluated: 2017-05-01. Review status: criteria provided, single submitter. Criteria: CeGaT Center For Human Genetics Tuebingen Variant Classification Criteria Version 2. Collection method: clinical testing. Allele origin: germline. Affected: yes. Observed: 1 variant allele.

Ambry Genetics
Classification: Likely benign for Hereditary cancer-predisposing syndrome. Last evaluated: 2015-01-19. Review status: criteria provided, single submitter. Criteria: Ambry Variant Classification Scheme 2023. Collection method: clinical testing. Allele origin: germline.

Literature cited by the submitters: PubMed 34299313 (cited by Sema4).

NM_007194.4(CHEK2):c.132C>T (p.Ser44=)

Gene: CHEK2 (checkpoint kinase 2; minus strand). Cytogenetic location: 22q12.1.
Variant type: single nucleotide variant.
Coding change: c.132C>T on transcript NM_007194.4 (MANE Select); coding-DNA position 132, C replaced by T.
Protein change: p.Ser44=; no amino-acid change (serine 44 retained).
Molecular consequence: synonymous variant.
Genome position (GRCh38, 1-based): chr22:28,734,590, G>A on the plus strand (C>T on the coding strand, the complement: CHEK2 is on the minus strand). VCF-style: chr22-28734590-G-A. GRCh37 (hg19) VCF-style: chr22-29130578-G-A.
Other names: c.132C>T, p.Ser44= (NM_001349956.3, NM_145862.3, NM_001005735.3); c.-646C>T (NM_001257387.3).
Identifiers: ClinVar variation 230091 (VCV000230091.65), dbSNP rs199715101, ClinGen allele CA10168071.